The following is an entry in ClinVar:

ClinVar aggregate classification (germline): Pathogenic (1 of 4 stars; one submission).

Submission:

Labcorp Genetics (formerly Invitae), Labcorp
Classification: Pathogenic. Last evaluated: 2023-12-22. Review status: criteria provided, single submitter. Criteria: Invitae Variant Classification Sherloc (09022015). Collection method: clinical testing. Allele origin: germline.
Comment: This sequence change creates a premature translational stop signal (p.Ile175Metfs*7) in the COL7A1 gene. It is expected to result in an absent or disrupted protein product. Loss-of-function variants in COL7A1 are known to be pathogenic (PMID: 16971478). This variant is not present in population databases (gnomAD no frequency). This premature translational stop signal has been observed in individual(s) with autosomal recessive epidermolysis bullosa dystrophica (PMID: 9326325). This variant is also known as 520del7. ClinVar contains an entry for this variant (Variation ID: 2203387). For these reasons, this variant has been classified as Pathogenic.

Literature cited by the submitters: PubMed 16971478; PubMed 9326325.

NM_000094.4(COL7A1):c.522_528del (p.Ile175fs)

Gene: COL7A1 (collagen type VII alpha 1 chain; minus strand). Cytogenetic location: 3p21.31.
Variant type: Deletion.
Coding change: c.522_528del on transcript NM_000094.4 (MANE Select); coding-DNA positions 522 to 528, 7 bases deleted (GATCAAG; older notation c.522_528delGATCAAG).
Protein change: p.Ile175fs; shifts the reading frame from isoleucine 175.
Molecular consequence: frameshift variant.
Genome position (GRCh38, 1-based): chr3:48,593,256-48,593,262, CTTGATC deleted on the plus strand (GATCAAG on the coding strand, the reverse complement: COL7A1 is on the minus strand); deleting any 7 consecutive bases within chr3:48,593,256-48,593,263 gives the same sequence; the c. name uses the placement nearest the transcript's 3' end. VCF-style (leftmost placement, unchanged base first): chr3-48593255-TCTTGATC-T. GRCh37 (hg19) VCF-style: chr3-48630688-TCTTGATC-T.
Other names: short protein forms I175fs.
Identifiers: ClinVar variation 2203387 (VCV002203387.4), dbSNP rs2531344354, ClinGen allele CA2580069937.